The following is an entry in ClinVar:

ClinVar aggregate classification (germline): Uncertain significance (1 of 4 stars; one submission).

Conditions:
Inborn genetic diseases. Identifiers: MedGen C0950123, MeSH D030342.

Submission:

Ambry Genetics
Classification: Uncertain significance for Inborn genetic diseases. Last evaluated: 2025-10-05. Review status: criteria provided, single submitter. Criteria: Ambry Variant Classification Scheme 2023. Collection method: clinical testing. Allele origin: germline.
Comment: The p.I452T variant (also known as c.1355T>C), located in coding exon 12 of the KDM1A gene, results from a T to C substitution at nucleotide position 1355. The isoleucine at codon 452 is replaced by threonine, an amino acid with similar properties. This amino acid position is conserved. In addition, this alteration is predicted to be deleterious by in silico analysis. Based on the available evidence, the clinical significance of this variant remains unclear.

NM_001009999.3(KDM1A):c.1355T>C (p.Ile452Thr)

Gene: KDM1A (lysine demethylase 1A; plus strand). Cytogenetic location: 1p36.12.
Variant type: single nucleotide variant.
Coding change: c.1355T>C on transcript NM_001009999.3 (MANE Select); coding-DNA position 1355, T replaced by C.
Protein change: p.Ile452Thr; replaces isoleucine 452 with threonine.
Molecular consequence: missense variant.
Genome position (GRCh38, 1-based): chr1:23,069,093, T>C. VCF-style: chr1-23069093-T-C. GRCh37 (hg19) VCF-style: chr1-23395586-T-C.
Other names: c.1283T>C, p.Ile428Thr (NM_001363654.2, NM_001410763.1, NM_015013.4); c.1343T>C, p.Ile448Thr (NM_001410762.1); short protein forms I448T, I428T, I452T.
Identifiers: ClinVar variation 4622666 (VCV004622666.1).